The following is an entry in ClinVar:

NM_000492.4(CFTR):c.3704G>T (p.Ser1235Ile)

Genes: CFTR (CF transmembrane conductance regulator; plus strand), CFTR-AS2 (CFTR antisense RNA 2; minus strand). Cytogenetic location: 7q31.2.
Variant type: single nucleotide variant.
Coding change: c.3704G>T on transcript NM_000492.4 (MANE Select); coding-DNA position 3704, G replaced by T.
Protein change: p.Ser1235Ile; replaces serine 1235 with isoleucine.
Molecular consequence: missense variant.
Genome position (GRCh38, 1-based): chr7:117,627,757, G>T. VCF-style: chr7-117627757-G-T. GRCh37 (hg19) VCF-style: chr7-117267811-G-T.
Other names: short protein forms S1235I.
Identifiers: ClinVar variation 3491666 (VCV003491666.1).

ClinVar aggregate classification (germline): Uncertain significance (1 of 4 stars; one submission).

Conditions:
Cystic fibrosis (CF). Also called: MUCOVISCIDOSIS. Identifiers: Orphanet 586, MedGen C0010674, MONDO:0009061, OMIM 219700. Disease mechanism: loss of function.

Submission:

Ambry Genetics
Classification: Uncertain significance for Cystic fibrosis. Last evaluated: 2024-09-12. Review status: criteria provided, single submitter. Criteria: Ambry Variant Classification Scheme 2023. Collection method: clinical testing. Allele origin: germline.
Comment: The p.S1235I variant (also known as c.3704G>T), located in coding exon 22 of the CFTR gene, results from a G to T substitution at nucleotide position 3704. The serine at codon 1235 is replaced by isoleucine, an amino acid with dissimilar properties. This amino acid position is conserved. In addition, this alteration is predicted to be deleterious by in silico analysis. Based on the available evidence, the clinical significance of this variant remains unclear.